The following is an entry in ClinVar:

NM_153676.4(USH1C):c.1190T>C (p.Val397Ala)

Gene: USH1C (USH1 protein network component harmonin; minus strand). Cytogenetic location: 11p15.1.
Variant type: single nucleotide variant.
Coding change: c.1190T>C on transcript NM_153676.4 (MANE Select); coding-DNA position 1190, T replaced by C.
Protein change: p.Val397Ala; replaces valine 397 with alanine.
Molecular consequence: missense variant. On other transcripts: non-coding transcript variant (1).
Genome position (GRCh38, 1-based): chr11:17,520,890, A>G on the plus strand (T>C on the coding strand, the complement: USH1C is on the minus strand). VCF-style: chr11-17520890-A-G. GRCh37 (hg19) VCF-style: chr11-17542437-A-G.
Other names: c.1190T>C, p.Val397Ala (NM_005709.4); c.1133T>C, p.Val378Ala (NM_001297764.2); short protein forms V378A, V397A.
Identifiers: ClinVar variation 1479155 (VCV001479155.8), dbSNP rs1166447896, ClinGen allele CA379784218.

ClinVar aggregate classification (germline): Uncertain significance (1 of 4 stars; one submission).

Submission:

Labcorp Genetics (formerly Invitae), Labcorp
Classification: Uncertain significance. Last evaluated: 2021-12-24. Review status: criteria provided, single submitter. Criteria: Invitae Variant Classification Sherloc (09022015). Collection method: clinical testing. Allele origin: germline.
Comment: This variant is not present in population databases (gnomAD no frequency). This variant has not been reported in the literature in individuals affected with USH1C-related conditions. This sequence change replaces valine, which is neutral and non-polar, with alanine, which is neutral and non-polar, at codon 397 of the USH1C protein (p.Val397Ala). Algorithms developed to predict the effect of missense changes on protein structure and function output the following: SIFT: "Tolerated"; PolyPhen-2: "Benign"; Align-GVGD: "Class C0". The alanine amino acid residue is found in multiple mammalian species, which suggests that this missense change does not adversely affect protein function. In summary, the available evidence is currently insufficient to determine the role of this variant in disease. Therefore, it has been classified as a Variant of Uncertain Significance.